The following is an entry in ClinVar:

ClinVar aggregate classification (germline): Pathogenic (1 of 4 stars; one submission).

Conditions:
Hereditary spastic paraplegia 31. Also called: SPASTIC PARAPLEGIA 31, AUTOSOMAL DOMINANT. Identifiers: Orphanet 101011, MedGen C1853247, MONDO:0012453, OMIM 610250.

Submission:

Labcorp Genetics (formerly Invitae), Labcorp
Classification: Pathogenic for Hereditary spastic paraplegia 31. Last evaluated: 2025-11-06. Review status: criteria provided, single submitter. Criteria: Invitae Variant Classification Sherloc (09022015). Collection method: clinical testing. Allele origin: germline.
Comment: This sequence change affects a donor splice site in intron 2 of the REEP1 gene. It is expected to disrupt RNA splicing. Variants that disrupt the donor or acceptor splice site typically lead to a loss of protein function (PMID: 16199547), and loss-of-function variants in REEP1 are known to be pathogenic (PMID: 18321925, 18644145, 32655478). This variant is not present in population databases (gnomAD no frequency). Disruption of this splice site has been observed in individuals with hereditary spastic paraplegia (internal data). Algorithms developed to predict the effect of sequence changes on RNA splicing suggest that this variant may disrupt the consensus splice site. For these reasons, this variant has been classified as Pathogenic.

Literature cited by the submitters: PubMed 16199547; PubMed 18321925; PubMed 18644145; PubMed 32655478.

NM_001371279.1(REEP1):c.105+2T>C

Gene: REEP1 (receptor accessory protein 1; minus strand). Cytogenetic location: 2p11.2.
Variant type: single nucleotide variant.
Coding change: c.105+2T>C on transcript NM_001371279.1 (MANE Select); the canonical splice donor site of the intron after coding-DNA position 105, T replaced by C.
Molecular consequence: splice donor variant. On other transcripts: intron variant (1).
Genome position (GRCh38, 1-based): chr2:86,282,168, A>G on the plus strand (T>C on the coding strand, the complement: REEP1 is on the minus strand). VCF-style: chr2-86282168-A-G. GRCh37 (hg19) VCF-style: chr2-86509291-A-G.
Other names: c.126+2T>C (NM_001164730.2); c.25-18127T>C (NM_001164731.2); c.105+2T>C (NM_001164732.2, NM_001371280.1, NM_022912.3 and 2 more transcripts).
Identifiers: ClinVar variation 4730670 (VCV004730670.1).